The following is an entry in ClinVar:

ClinVar aggregate classification (germline): Conflicting classifications of pathogenicity. Review status: criteria provided, conflicting classifications (1 of 4 stars). 2 submissions from 2 submitters: Uncertain significance (1); Likely benign (1). Last evaluated 2026-01-05.

Conditions:
Hypertrophic cardiomyopathy. Also called: HYPERTROPHIC MYOCARDIOPATHY. Identifiers: Orphanet 217569, MedGen C0007194, MeSH D002312, MONDO:0005045, HP:0001639.

Submissions (2):

Labcorp Genetics (formerly Invitae), Labcorp
Classification: Uncertain significance for Hypertrophic cardiomyopathy. Last evaluated: 2026-01-05. Review status: criteria provided, single submitter. Criteria: Invitae Variant Classification Sherloc (09022015). Collection method: clinical testing. Allele origin: germline.
Comment: This sequence change replaces valine, which is neutral and non-polar, with leucine, which is neutral and non-polar, at codon 689 of the MYH7 protein (p.Val689Leu). This variant is not present in population databases (gnomAD no frequency). This variant has not been reported in the literature in individuals affected with MYH7-related conditions. ClinVar contains an entry for this variant (Variation ID: 1012831). Invitae Evidence Modeling of protein sequence and biophysical properties (such as structural, functional, and spatial information, amino acid conservation, physicochemical variation, residue mobility, and thermodynamic stability) indicates that this missense variant is expected to disrupt MYH7 protein function with a positive predictive value of 95%. In summary, the available evidence is currently insufficient to determine the role of this variant in disease. Therefore, it has been classified as a Variant of Uncertain Significance.

GeneDx
Classification: Likely benign. Last evaluated: 2015-03-03. Review status: criteria provided, single submitter. Criteria: GeneDx Variant Classification Process June 2021. Collection method: clinical testing. Allele origin: germline. Affected: yes.

NM_000257.4(MYH7):c.2065G>C (p.Val689Leu)

Gene: MYH7 (myosin heavy chain 7; minus strand). Cytogenetic location: 14q11.2.
Variant type: single nucleotide variant.
Coding change: c.2065G>C on transcript NM_000257.4 (MANE Select); coding-DNA position 2065, G replaced by C.
Protein change: p.Val689Leu; replaces valine 689 with leucine.
Molecular consequence: missense variant.
Genome position (GRCh38, 1-based): chr14:23,426,061, C>G on the plus strand (G>C on the coding strand, the complement: MYH7 is on the minus strand). VCF-style: chr14-23426061-C-G. GRCh37 (hg19) VCF-style: chr14-23895270-C-G.
Other names: short protein forms V689L.
Identifiers: ClinVar variation 1012831 (VCV001012831.13), dbSNP rs1892685560, ClinGen allele CA389049201.